The following is an entry in ClinVar:

ClinVar aggregate classification (germline): Likely pathogenic (1 of 4 stars; one submission).

Conditions:
Dilated cardiomyopathy 1G (CMD1G). Identifiers: Orphanet 154, MedGen C1858763, MONDO:0011400, OMIM 604145.
Autosomal recessive limb-girdle muscular dystrophy type 2J (LGMDR10). Also called: Limb-girdle muscular dystrophy, type 2J; MUSCULAR DYSTROPHY, LIMB-GIRDLE, AUTOSOMAL RECESSIVE 10. Identifiers: Orphanet 140922, MedGen C1837342, MONDO:0012127, OMIM 608807.

Submission:

Labcorp Genetics (formerly Invitae), Labcorp
Classification: Likely pathogenic for Dilated cardiomyopathy 1G; Autosomal recessive limb-girdle muscular dystrophy type 2J. Last evaluated: 2021-01-12. Review status: criteria provided, single submitter. Criteria: Invitae Variant Classification Sherloc (09022015). Collection method: clinical testing. Allele origin: germline.
Comment: This variant has not been reported in the literature in individuals with TTN-related conditions. This variant is not present in population databases (ExAC no frequency). This sequence change results in a premature translational stop signal in the TTN gene (p.Ile19969Lysfs*16). While this is not anticipated to result in nonsense mediated decay, it is expected to create a truncated TTN protein. This variant is located in the A band of TTN (PMID: 25589632). Truncating variants in this region are significantly overrepresented in patients affected with dilated cardiomyopathy (PMID: 25589632). Truncating variants in this region have also been reported in individuals affected with autosomal recessive centronuclear myopathy (PMID: 23975875). In summary, the currently available evidence indicates that the variant is pathogenic, but additional data are needed to prove that conclusively. Therefore, this variant has been classified as Likely Pathogenic.

Literature cited by the submitters: PubMed 25589632; PubMed 23975875.

NM_001267550.2(TTN):c.59906_59924delinsAA (p.Ile19969fs)

Genes: TTN (titin; minus strand), TTN-AS1 (TTN antisense RNA 1; plus strand), LOC126806424 (CDK7 strongly-dependent group 2 enhancer GRCh37_chr2:179456337-179457536; plus strand). Cytogenetic location: 2q31.2.
Variant type: Indel.
Coding change: c.59906_59924delinsAA on transcript NM_001267550.2 (MANE Select); coding-DNA positions 59906 to 59924, TCAAGGCTTTGGATCCTCT replaced by AA.
Protein change: p.Ile19969fs; shifts the reading frame from isoleucine 19969.
Molecular consequence: frameshift variant.
Genome position (GRCh38, 1-based): chr2:178,591,980-178,591,998, AGAGGATCCAAAGCCTTGA replaced by TT on the plus strand (TCAAGGCTTTGGATCCTCT replaced by AA on the coding strand, the reverse complement: TTN is on the minus strand). VCF-style: chr2-178591980-AGAGGATCCAAAGCCTTGA-TT. GRCh37 (hg19) VCF-style: chr2-179456707-AGAGGATCCAAAGCCTTGA-TT.
Other names: c.54983_55001delinsAA, p.Ile18328fs (NM_001256850.1); c.32711_32729delinsAA, p.Ile10904fs (NM_003319.4); c.52202_52220delinsAA, p.Ile17401fs (NM_133378.4); c.33086_33104delinsAA, p.Ile11029fs (NM_133432.3); c.33287_33305delinsAA, p.Ile11096fs (NM_133437.4); short protein forms I10904fs, I11096fs, I18328fs, I17401fs, I19969fs, I11029fs.
Identifiers: ClinVar variation 968328 (VCV000968328.6), dbSNP rs2050313754, ClinGen allele CA1139655657.